The following is an entry in ClinVar:

NM_005120.3(MED12):c.1639G>T (p.Ala547Ser)

Genes: MED12 (mediator complex subunit 12; plus strand), LOC126863275 (BRD4-independent group 4 enhancer GRCh37_chrX:70342400-70343599; plus strand). Cytogenetic location: Xq13.1.
Variant type: single nucleotide variant.
Coding change: c.1639G>T on transcript NM_005120.3 (MANE Select); coding-DNA position 1639, G replaced by T.
Protein change: p.Ala547Ser; replaces alanine 547 with serine.
Molecular consequence: missense variant.
Genome position (GRCh38, 1-based): chrX:71,123,615, G>T. VCF-style: chrX-71123615-G-T. GRCh37 (hg19) VCF-style: chrX-70343465-G-T.
Other names: short protein forms A547S.
Identifiers: ClinVar variation 2075636 (VCV002075636.18), dbSNP rs370812643, ClinGen allele CA413508056.

ClinVar aggregate classification (germline): Uncertain significance. Review status: criteria provided, multiple submitters, no conflicts (2 of 4 stars). 2 submissions from 2 submitters: Uncertain significance (2). Last evaluated 2024-09-01.

Conditions:
FG syndrome (FGS). Identifiers: MedGen C0220769, MONDO:0002010.

Submissions (2):

CeGaT Center for Human Genetics Tuebingen
Classification: Uncertain significance. Last evaluated: 2024-09-01. Review status: criteria provided, single submitter. Criteria: CeGaT Center For Human Genetics Tuebingen Variant Classification Criteria Version 2. Collection method: clinical testing. Allele origin: germline. Affected: yes. Observed: 1 variant allele.
Comment: MED12: PM2

Labcorp Genetics (formerly Invitae), Labcorp
Classification: Uncertain significance for FG syndrome. Last evaluated: 2022-04-30. Review status: criteria provided, single submitter. Criteria: Invitae Variant Classification Sherloc (09022015). Collection method: clinical testing. Allele origin: germline.
Comment: This sequence change replaces alanine, which is neutral and non-polar, with serine, which is neutral and polar, at codon 547 of the MED12 protein (p.Ala547Ser). This variant is not present in population databases (gnomAD no frequency). This variant has not been reported in the literature in individuals affected with MED12-related conditions. Advanced modeling of protein sequence and biophysical properties (such as structural, functional, and spatial information, amino acid conservation, physicochemical variation, residue mobility, and thermodynamic stability) performed at Invitae indicates that this missense variant is not expected to disrupt MED12 protein function. In summary, the available evidence is currently insufficient to determine the role of this variant in disease. Therefore, it has been classified as a Variant of Uncertain Significance.